The following is an entry in ClinVar:

NM_003238.6(TGFB2):c.494G>A (p.Arg165Gln)

Gene: TGFB2 (transforming growth factor beta 2; plus strand). Cytogenetic location: 1q41.
Variant type: single nucleotide variant.
Coding change: c.494G>A on transcript NM_003238.6 (MANE Select); coding-DNA position 494, G replaced by A.
Protein change: p.Arg165Gln; replaces arginine 165 with glutamine.
Molecular consequence: missense variant. On other transcripts: non-coding transcript variant (2).
Genome position (GRCh38, 1-based): chr1:218,405,316, G>A. VCF-style: chr1-218405316-G-A. GRCh37 (hg19) VCF-style: chr1-218578658-G-A.
Other names: c.578G>A, p.Arg193Gln (NM_001135599.4); short protein forms R165Q, R193Q.
Identifiers: ClinVar variation 2566492 (VCV002566492.3), dbSNP rs2464758318, ClinGen allele CA344726364.
Genomic context (GRCh38, chr1:218,405,316, plus strand): 5'-TGAAAGCAGAGTTCAGAGTCTTTCGTTTGCAGAACCCAAAAGCCAGAGTGCCTGAACAAC[G>A]GATTGAGCTATATCAGGTAATGTTCATTTGTTGTTGTTGTTGTTGTTGTTGTTGTTGTTT-3'
Protein context (NP_003229.1, residues 155-175): QNPKARVPEQ[Arg165Gln]IELYQILKSK

ClinVar aggregate classification (germline): Uncertain significance. Review status: criteria provided, multiple submitters, no conflicts (2 of 4 stars). 2 submissions from 2 submitters: Uncertain significance (2). Last evaluated 2025-05-18.

Conditions:
Loeys-Dietz syndrome 4 (LDS4). Also called: ANEURYSM, AORTIC AND CEREBRAL, WITH ARTERIAL TORTUOSITY AND SKELETAL MANIFESTATIONS; TGFB2-Related Loeys-Dietz Syndrome. Identifiers: MedGen C3553762, MONDO:0013897, OMIM 614816.
Familial thoracic aortic aneurysm and aortic dissection (TAAD). Also called: Thoracic aortic aneurysms and dissections. Identifiers: Orphanet 91387, MedGen C4707243, MONDO:0019625.

Allele frequency attached by ClinVar (database versions not stated): gnomAD exomes below 0.00001.
gnomAD v4.1: 3 of 1,613,994 alleles (0.00019%); highest among the groups gnomAD compares: Non-Finnish European, 0.00017%; no homozygotes.

Submissions (2):

Labcorp Genetics (formerly Invitae), Labcorp
Classification: Uncertain significance for Loeys-Dietz syndrome 4. Last evaluated: 2025-05-18. Review status: criteria provided, single submitter. Criteria: Invitae Variant Classification Sherloc (09022015). Collection method: clinical testing. Allele origin: germline.
Comment: This sequence change replaces arginine, which is basic and polar, with glutamine, which is neutral and polar, at codon 165 of the TGFB2 protein (p.Arg165Gln). This variant is not present in population databases (gnomAD no frequency). This variant has not been reported in the literature in individuals affected with TGFB2-related conditions. ClinVar contains an entry for this variant (Variation ID: 2566492). Invitae Evidence Modeling of protein sequence and biophysical properties (such as structural, functional, and spatial information, amino acid conservation, physicochemical variation, residue mobility, and thermodynamic stability) indicates that this missense variant is not expected to disrupt TGFB2 protein function with a negative predictive value of 80%. In summary, the available evidence is currently insufficient to determine the role of this variant in disease. Therefore, it has been classified as a Variant of Uncertain Significance.

Ambry Genetics
Classification: Uncertain significance for Familial thoracic aortic aneurysm and aortic dissection. Last evaluated: 2023-03-20. Review status: criteria provided, single submitter. Criteria: Ambry Variant Classification Scheme 2023. Collection method: clinical testing. Allele origin: germline.
Comment: The p.R165Q variant (also known as c.494G>A), located in coding exon 2 of the TGFB2 gene, results from a G to A substitution at nucleotide position 494. The arginine at codon 165 is replaced by glutamine, an amino acid with highly similar properties. This amino acid position is conserved. In addition, this alteration is predicted to be deleterious by in silico analysis. Since supporting evidence is limited at this time, the clinical significance of this alteration remains unclear.